The following is an entry in ClinVar:

ClinVar aggregate classification (germline): Conflicting classifications of pathogenicity. Review status: criteria provided, conflicting classifications (1 of 4 stars). 3 submissions from 3 submitters: Uncertain significance (1); Likely benign (2). Last evaluated 2026-04-01.

Conditions:
Inborn genetic diseases. Identifiers: MedGen C0950123, MeSH D030342.
Autism spectrum disorder due to AUTS2 deficiency (MRD26). Also called: INTELLECTUAL DEVELOPMENTAL DISORDER, AUTOSOMAL DOMINANT 26. Identifiers: Orphanet 352490, MedGen C4014435, MONDO:0014361, OMIM 615834.

Allele frequency attached by ClinVar (database versions not stated): TOPMed 0.00002; ExAC 0.00008; 1000 Genomes Project 30x 0.00016; 1000 Genomes Project 0.00020.

Submissions (3):

CeGaT Center for Human Genetics Tuebingen
Classification: Likely benign. Last evaluated: 2026-04-01. Review status: criteria provided, single submitter. Criteria: CeGaT Center For Human Genetics Tuebingen Variant Classification Criteria Version 2. Collection method: clinical testing. Allele origin: germline. Affected: yes. Observed: 1 variant allele.
Comment: AUTS2: BS2

Ambry Genetics
Classification: Likely benign for Inborn genetic diseases. Last evaluated: 2024-10-11. Review status: criteria provided, single submitter. Criteria: Ambry Variant Classification Scheme 2023. Collection method: clinical testing. Allele origin: germline.

Johns Hopkins Genomics, Johns Hopkins University
Classification: Uncertain significance for Autism spectrum disorder due to AUTS2 deficiency. Last evaluated: 2020-02-21. Review status: criteria provided, single submitter. Criteria: ACMG Guidelines, 2015. Collection method: clinical testing. Allele origin: germline.

NM_015570.4(AUTS2):c.2693C>G (p.Ser898Trp)

Gene: AUTS2 (activator of transcription and developmental regulator AUTS2; plus strand). Cytogenetic location: 7q11.22.
Variant type: single nucleotide variant.
Coding change: c.2693C>G on transcript NM_015570.4 (MANE Select); coding-DNA position 2693, C replaced by G.
Protein change: p.Ser898Trp; replaces serine 898 with tryptophan.
Molecular consequence: missense variant.
Genome position (GRCh38, 1-based): chr7:70,789,909, C>G. VCF-style: chr7-70789909-C-G. GRCh37 (hg19) VCF-style: chr7-70254895-C-G.
Other names: c.2621C>G, p.Ser874Trp (NM_001127231.3); c.2693C>G (NM_015570.2); short protein forms S898W, S874W.
Identifiers: ClinVar variation 425415 (VCV000425415.45), dbSNP rs534033649, ClinGen allele CA4281152.